The following is an entry in ClinVar:

ClinVar aggregate classification (germline): Likely pathogenic. Review status: reviewed by expert panel (3 of 4 stars). 4 submissions from 4 submitters: Likely pathogenic (1). 3 of the submissions do not count toward it. Last evaluated 2022-07-12.

Conditions:
Very long chain acyl-CoA dehydrogenase deficiency (ACADVLD). Also called: Very Long-Chain Acyl-Coenzyme A Dehydrogenase Deficiency; VLCAD Deficiency. Identifiers: Orphanet 26793, MedGen C3887523, MONDO:0008723, OMIM 201475.

Submissions (4):

ClinGen ACADVL Variant Curation Expert Panel, ClinGen
Classification: Likely pathogenic for Very long chain acyl-CoA dehydrogenase deficiency. Last evaluated: 2022-07-12. Review status: reviewed by expert panel. Criteria: clingen acadvl acmg specifications v1. Collection method: curation. Allele origin: germline. Inheritance: Autosomal recessive inheritance.
Comment: The c.1056_1058delinsA, p.(Met352Ilefs*6) variant in ACADVL is a frameshift variant predicted to cause a premature stop codon in biologically-relevant-exon 10/20 leading to nonsense mediated decay in a gene in which loss-of-function is an established disease mechanism (PVS1; PMIDs 9973285, 11590124). This variant is absent from gnomAD v2.1.1 (PM2_Supporting). To our knowledge, this variant has not been reported in the literature in any individuals with VLCADD. To our knowledge, functional assays have not been reported for this variant. In summary, this variant meets the criteria to be classified as LIKELY PATHOGENIC for autosomal recessive very long chain acyl-CoA dehydrogenase (VLCAD) deficiency based on the ACMG/AMP criteria applied, as specified by the ClinGen ACADVL Variant Curation Expert Panel: PVS1, PM2_Supporting (ClinGen ACADVL VCEP specifications version#2.0; approved 07-08-22).

Revvity Omics, Revvity
Classification: Pathogenic for Very long chain acyl-CoA dehydrogenase deficiency. Last evaluated: 2024-07-22. Review status: criteria provided, single submitter. Criteria: ACMG Guidelines, 2015. Collection method: clinical testing. Allele origin: germline. Not counted in ClinVar's aggregate classification.

Labcorp Genetics (formerly Invitae), Labcorp
Classification: Pathogenic for Very long chain acyl-CoA dehydrogenase deficiency. Last evaluated: 2023-05-01. Review status: criteria provided, single submitter. Criteria: Invitae Variant Classification Sherloc (09022015). Collection method: clinical testing. Allele origin: germline. Not counted in ClinVar's aggregate classification.
Comment: This variant has not been reported in the literature in individuals affected with ACADVL-related conditions. For these reasons, this variant has been classified as Pathogenic. Information on the frequency of this variant in the gnomAD database is not available, as this variant may be reported differently in the database. This sequence change creates a premature translational stop signal (p.Met352Ilefs*6) in the ACADVL gene. It is expected to result in an absent or disrupted protein product. Loss-of-function variants in ACADVL are known to be pathogenic (PMID: 9973285, 11590124).

Wong Mito Lab, Molecular and Human Genetics, Baylor College of Medicine
Classification: Pathogenic for Very long chain acyl-CoA dehydrogenase deficiency. Last evaluated: 2019-11-01. Review status: criteria provided, single submitter. Criteria: ACMG Guidelines, 2015. Collection method: clinical testing. Allele origin: germline. Not counted in ClinVar's aggregate classification.
Comment: The NM_000018.3:c.1056_1058delGAGinsA (NP_000009.1:p.Met352IlefsTer6) [GRCH38: NC_000017.11:g.7222844_7222846delinsA] variant in ACADVL gene is interpretated to be Pathogenic based on ACMG guidelines (PMID: 25741868). This variant has been reported. This variant meets the following evidence codes reported in the ACMG guidelines: PVS1, PS3

Literature cited by the submitters: PubMed 9973285 (cited by Labcorp Genetics (formerly Invitae), Labcorp); PubMed 11590124 (cited by Labcorp Genetics (formerly Invitae), Labcorp).

NM_000018.4(ACADVL):c.1056_1058delinsA (p.Met352fs)

Gene: ACADVL (acyl-CoA dehydrogenase very long chain; plus strand). Cytogenetic location: 17p13.1.
Variant type: Indel.
Coding change: c.1056_1058delinsA on transcript NM_000018.4 (MANE Select); coding-DNA positions 1056 to 1058, GAG replaced by A.
Protein change: p.Met352fs; shifts the reading frame from methionine 352.
Molecular consequence: frameshift variant.
Genome position (GRCh38, 1-based): chr17:7,222,844-7,222,846, GAG replaced by A. VCF-style: chr17-7222844-GAG-A. GRCh37 (hg19) VCF-style: chr17-7126163-GAG-A.
Other names: NM_000018.4(ACADVL):c.1056_1058delinsA; p.Met352fs; c.990_992delinsA, p.Met330fs (NM_001033859.3); c.1125_1127delinsA, p.Met375fs (NM_001270447.2); c.828_830delinsA, p.Met276fs (NM_001270448.2); short protein forms M352fs, M276fs, M375fs, M330fs.
Identifiers: ClinVar variation 932849 (VCV000932849.8), dbSNP rs2071296591, ClinGen allele CA1139665146.